The following is an entry in ClinVar:

NM_017514.5(PLXNA3):c.945C>T (p.Asp315=)

Gene: PLXNA3 (plexin A3; plus strand). Cytogenetic location: Xq28.
Variant type: single nucleotide variant.
Coding change: c.945C>T on transcript NM_017514.5 (MANE Select); coding-DNA position 945, C replaced by T.
Protein change: p.Asp315=; no amino-acid change (aspartic acid 315 retained).
Molecular consequence: synonymous variant.
Genome position (GRCh38, 1-based): chrX:154,461,449, C>T. VCF-style: chrX-154461449-C-T. GRCh37 (hg19) VCF-style: chrX-153689789-C-T.
Identifiers: ClinVar variation 2661829 (VCV002661829.25), dbSNP rs184056478, ClinGen allele CA10563866.
Genomic context (GRCh38, chrX:154,461,449, plus strand): 5'-CCACCTGGCCAAGCCTGGCCTGCTGCTGGCCCAGGCCCTGGGCGTGCCGGCTGATGAGGA[C>T]GTCCTCTTCACCATCTTCTCTCAGGGCCAGAAGAACCGGGCCAGCCCACCCCGGCAGACC-3'
Protein context (NP_059984.3, residues 305-325): AQALGVPADE[Asp315=]VLFTIFSQGQ

ClinVar aggregate classification (germline): Likely benign. Review status: criteria provided, single submitter (1 of 4 stars). 2 submissions from 2 submitters: Likely benign (1). 1 of the submissions does not count toward it. Last evaluated 2022-05-01.

Conditions:
PLXNA3-related disorder. Also called: PLXNA3-related condition.

Allele frequency attached by ClinVar (database versions not stated): ExAC 0.00011; 1000 Genomes Project 0.00053; 1000 Genomes Project 30x 0.00062.
gnomAD v4.1: 105 of 1,210,849 alleles (0.0087%); highest among the groups gnomAD compares: East Asian, 0.027%; no homozygotes.

Submissions (2):

CeGaT Center for Human Genetics Tuebingen
Classification: Likely benign. Last evaluated: 2022-05-01. Review status: criteria provided, single submitter. Criteria: CeGaT Center For Human Genetics Tuebingen Variant Classification Criteria Version 2. Collection method: clinical testing. Allele origin: germline. Affected: yes. Observed: 1 variant allele.
Comment: PLXNA3: BP4, BP7

PreventionGenetics, part of Exact Sciences
Classification: Likely benign for PLXNA3-related condition. Last evaluated: 2023-10-13. Review status: no assertion criteria provided. Collection method: clinical testing. Allele origin: germline. Not counted in ClinVar's aggregate classification.
Comment: This variant is classified as likely benign based on ACMG/AMP sequence variant interpretation guidelines (Richards et al. 2015 PMID: 25741868, with internal and published modifications).